The following is an entry in ClinVar:

ClinVar aggregate classification (germline): Pathogenic (1 of 4 stars; one submission).

Conditions:
Baller-Gerold syndrome (BGS). Also called: CRANIOSYNOSTOSIS WITH RADIAL DEFECTS. Identifiers: Orphanet 1225, MedGen C0265308, MONDO:0009039, OMIM 218600.

Submission:

Labcorp Genetics (formerly Invitae), Labcorp
Classification: Pathogenic for Baller-Gerold syndrome. Last evaluated: 2023-06-23. Review status: criteria provided, single submitter. Criteria: Invitae Variant Classification Sherloc (09022015). Collection method: clinical testing. Allele origin: germline.
Comment: This sequence change creates a premature translational stop signal (p.Thr425Argfs*6) in the RECQL4 gene. It is expected to result in an absent or disrupted protein product. Loss-of-function variants in RECQL4 are known to be pathogenic (PMID: 12734318, 12952869). This variant is not present in population databases (gnomAD no frequency). This variant has not been reported in the literature in individuals affected with RECQL4-related conditions. For these reasons, this variant has been classified as Pathogenic.

Literature cited by the submitters: PubMed 12734318; PubMed 12952869.

NM_004260.4(RECQL4):c.1274_1275del (p.Thr425fs)

Gene: RECQL4 (RecQ like helicase 4; minus strand). Cytogenetic location: 8q24.3.
Variant type: Microsatellite.
Coding change: c.1274_1275del on transcript NM_004260.4 (MANE Select); coding-DNA positions 1274 to 1275, 2 bases deleted (CA; older notation c.1274_1275delCA).
Protein change: p.Thr425fs; shifts the reading frame from threonine 425.
Molecular consequence: frameshift variant. On other transcripts: 5 prime UTR variant (1), non-coding transcript variant (3).
Genome position (GRCh38, 1-based): chr8:144,515,441-144,515,442, TG deleted on the plus strand (CA on the coding strand, the reverse complement: RECQL4 is on the minus strand); deleting any 2 consecutive bases within chr8:144,515,441-144,515,445 gives the same sequence; the c. name uses the placement nearest the transcript's 3' end. VCF-style (leftmost placement, unchanged base first): chr8-144515440-CTG-C. GRCh37 (hg19) VCF-style: chr8-145740824-CTG-C.
Other names: c.923_924del, p.Thr308fs (NM_001413029.1); c.137_138del, p.Thr46fs (NM_001413030.1, NM_001413031.1, NM_001413032.1 and 2 more transcripts); c.1274_1275del, p.Thr425fs (NM_001413033.1, NM_001413036.1, NM_001413018.1 and 2 more transcripts); c.203_204del, p.Thr68fs (NM_001413034.1, NM_001413035.1, NM_001413037.1 and 8 more transcripts); c.1178_1179del, p.Thr393fs (NM_001413017.1, NM_001413020.1); c.1145_1146del, p.Thr382fs (NM_001413025.1); c.-196CA[1] (NM_001413043.1); short protein forms T308fs, T393fs, T68fs, T382fs, T425fs, T46fs.
Identifiers: ClinVar variation 2726059 (VCV002726059.3), dbSNP rs2538065578, ClinGen allele CA2689136157.